The following is an entry in ClinVar:

NM_001164508.2(NEB):c.8470dup (p.Ala2824fs)

Gene: NEB (nebulin; minus strand). Cytogenetic location: 2q23.3.
Variant type: Duplication.
Coding change: c.8470dup on transcript NM_001164508.2 (MANE Select); coding-DNA position 8470, one base duplicated (G; older notation c.8470dupG).
Protein change: p.Ala2824fs; shifts the reading frame from alanine 2824.
Molecular consequence: frameshift variant.
Genome position (GRCh38, 1-based): chr2:151,640,570, C duplicated on the plus strand (G on the coding strand, the reverse complement: NEB is on the minus strand); the first of 2 consecutive C bases (chr2:151,640,570-151,640,571); duplicating either gives the same sequence. VCF-style (leftmost placement, unchanged base first): chr2-151640569-G-GC. GRCh37 (hg19) VCF-style: chr2-152497083-G-GC.
Other names: c.8470dup, p.Ala2824fs (NM_001164507.2, NM_001271208.2, NM_004543.5); short protein forms A2824fs.
Identifiers: ClinVar variation 2525938 (VCV002525938.2), dbSNP rs2552244056, ClinGen allele CA2580614362.

ClinVar aggregate classification (germline): Pathogenic (1 of 4 stars; one submission).

Conditions:
Inborn genetic diseases. Identifiers: MedGen C0950123, MeSH D030342.

Submission:

Ambry Genetics
Classification: Pathogenic for Inborn genetic diseases. Last evaluated: 2023-03-22. Review status: criteria provided, single submitter. Criteria: Ambry Variant Classification Scheme 2023. Collection method: clinical testing. Allele origin: germline.
Comment: The c.8470dupG (p.A2824Gfs*6) alteration, located in exon 61 (coding exon 59) of the NEB gene, consists of a duplication of G at position 8470, causing a translational frameshift with a predicted alternate stop codon after 6 amino acids. This alteration is expected to result in loss of function by premature protein truncation or nonsense-mediated mRNA decay. This variant was not reported in population-based cohorts in the Genome Aggregation Database (gnomAD). Based on the available evidence, this alteration is classified as pathogenic.